The following is an entry in ClinVar:

NM_018896.5(CACNA1G):c.6426C>T (p.Asp2142=)

Gene: CACNA1G (calcium voltage-gated channel subunit alpha1 G; plus strand). Cytogenetic location: 17q21.33.
Variant type: single nucleotide variant.
Coding change: c.6426C>T on transcript NM_018896.5 (MANE Select); coding-DNA position 6426, C replaced by T.
Protein change: p.Asp2142=; no amino-acid change (aspartic acid 2142 retained).
Molecular consequence: synonymous variant. On other transcripts: non-coding transcript variant (5).
Genome position (GRCh38, 1-based): chr17:50,626,043, C>T. VCF-style: chr17-50626043-C-T. GRCh37 (hg19) VCF-style: chr17-48703404-C-T.
Other names: c.6114C>T, p.Asp2038= (NM_001256334.2, NM_198378.3); c.6066C>T, p.Asp2022= (NM_001256359.2); c.6039C>T, p.Asp2013= (NM_001256360.2); c.6033C>T, p.Asp2011= (NM_001256361.2); c.6045C>T, p.Asp2015= (NM_198376.3, NM_001256329.2, NM_198387.3); c.6393C>T, p.Asp2131= (NM_198377.3); c.6189C>T, p.Asp2063= (NM_198379.3); c.6258C>T, p.Asp2086= (NM_198380.3); and 15 more.
Identifiers: ClinVar variation 2647933 (VCV002647933.24), dbSNP rs764282916, ClinGen allele CA8653660.
Genomic context (GRCh38, chr17:50,626,043, plus strand): 5'-ACTGCTGGGCTGAGCCCTCCCCCACCCCATATAGGCAGCAATAAGGACTGACTCCTTGGA[C>T]GTTCAGGGTCTGGGCAGCCGGGAAGACCTGCTGGCAGAGGTGAGTGGGCCCTCCCCGCCC-3'
Protein context (NP_061496.2, residues 2132-2152): RQAAIRTDSL[Asp2142=]VQGLGSREDL

ClinVar aggregate classification (germline): Likely benign (1 of 4 stars; one submission).

Allele frequency attached by ClinVar (database versions not stated): TOPMed below 0.00001; gnomAD 0.00001; gnomAD exomes 0.00001; ExAC 0.00002.
gnomAD v4.1: 8 of 1,612,116 alleles (0.0005%); highest among the groups gnomAD compares: South Asian, 0.0011%; no homozygotes.

Submission:

CeGaT Center for Human Genetics Tuebingen
Classification: Likely benign. Last evaluated: 2022-05-01. Review status: criteria provided, single submitter. Criteria: CeGaT Center For Human Genetics Tuebingen Variant Classification Criteria Version 2. Collection method: clinical testing. Allele origin: germline. Affected: yes. Observed: 1 variant allele.
Comment: CACNA1G: BP4, BP7